The following is an entry in ClinVar:

NM_012330.4(KAT6B):c.5020G>A (p.Glu1674Lys)

Gene: KAT6B (lysine acetyltransferase 6B; plus strand). Cytogenetic location: 10q22.2.
Variant type: single nucleotide variant.
Coding change: c.5020G>A on transcript NM_012330.4 (MANE Select); coding-DNA position 5020, G replaced by A.
Protein change: p.Glu1674Lys; replaces glutamic acid 1674 with lysine.
Molecular consequence: missense variant.
Genome position (GRCh38, 1-based): chr10:75,029,844, G>A. VCF-style: chr10-75029844-G-A. GRCh37 (hg19) VCF-style: chr10-76789602-G-A.
Other names: c.4471G>A, p.Glu1491Lys (NM_001256468.2, NM_001370138.1); c.4144G>A, p.Glu1382Lys (NM_001256469.2, NM_001370139.1, NM_001370140.1 and 2 more transcripts); c.3982G>A, p.Glu1328Lys (NM_001370132.1); c.3331G>A, p.Glu1111Lys (NM_001370133.1); c.2935G>A, p.Glu979Lys (NM_001370134.1); c.2677G>A, p.Glu893Lys (NM_001370135.1); c.5020G>A, p.Glu1674Lys (NM_001370136.1, NM_001370137.1); c.3955G>A, p.Glu1319Lys (NM_001370143.1, NM_001370144.1); short protein forms E1111K, E1319K, E1328K, E1382K, E1491K, E1674K, E893K, E979K.
Identifiers: ClinVar variation 1205554 (VCV001205554.5), dbSNP rs1207239612, ClinGen allele CA377299702.

ClinVar aggregate classification (germline): Uncertain significance. Review status: criteria provided, multiple submitters, no conflicts (2 of 4 stars). 2 submissions from 2 submitters: Uncertain significance (2). Last evaluated 2025-12-17.

Submissions (2):

GeneDx
Classification: Uncertain significance. Last evaluated: 2025-12-17. Review status: criteria provided, single submitter. Criteria: GeneDx Variant Classification Process June 2021. Collection method: clinical testing. Allele origin: germline. Affected: yes.
Comment: Not observed at significant frequency in large population cohorts (gnomAD); In silico analysis supports that this missense variant has a deleterious effect on protein structure/function; Has not been previously published as pathogenic or benign to our knowledge

Dasa
Classification: Uncertain significance. Last evaluated: 2024-11-08. Review status: criteria provided, single submitter. Criteria: DASA Assertion Criteria. Collection method: clinical testing. Allele origin: germline.
Comment: NM_012330.4(KAT6B):c.5020G>A (p.Glu1674Lys) is a missense variant that results in the substitution of glutamic acid with lysine. Multiple computational predictions support a deleterious effect on the gene or gene product. The variant is present at low frequency in population datasets. Based on the available data, this variant is classified as variant of uncertain significance.